The following is an entry in ClinVar:

NM_001160372.4(TRAPPC9):c.2871G>A (p.Lys957=)

Gene: TRAPPC9 (trafficking protein particle complex subunit 9; minus strand). Cytogenetic location: 8q24.3.
Variant type: single nucleotide variant.
Coding change: c.2871G>A on transcript NM_001160372.4 (MANE Select); coding-DNA position 2871, G replaced by A.
Protein change: p.Lys957=; no amino-acid change (lysine 957 retained).
Molecular consequence: synonymous variant. On other transcripts: non-coding transcript variant (1).
Genome position (GRCh38, 1-based): chr8:139,910,240, C>T on the plus strand (G>A on the coding strand, the complement: TRAPPC9 is on the minus strand). VCF-style: chr8-139910240-C-T. GRCh37 (hg19) VCF-style: chr8-140922484-C-T.
Other names: c.2844G>A, p.Lys948= (NM_001321646.2); c.2892G>A, p.Lys964= (NM_001374682.1); c.2760G>A, p.Lys920= (NM_001374683.1); c.2727G>A, p.Lys909= (NM_001374684.1); c.2871G>A, p.Lys957= (NM_031466.8).
Identifiers: ClinVar variation 589426 (VCV000589426.18), dbSNP rs188700138, ClinGen allele CA4892893.
Genomic context (GRCh38, chr8:139,910,240, plus strand): 5'-CTCCAGGCCTCGGGCTTCCCGCCGCTCTTCCTCCAGCTGCTTGGGGTTTGCAAATTGCCC[C>T]TTCTCCCCAGGGGACTCCGGGAAACTCTCAAAGTTGAACTTGTCCACTTGAATAGCCATT-3'
Protein context (NP_001153844.1, residues 947-967): FESFPESPGE[Lys957=]GQFANPKQLE

ClinVar aggregate classification (germline): Benign. Review status: criteria provided, multiple submitters, no conflicts (2 of 4 stars). 3 submissions from 3 submitters: Benign (2). 1 of the submissions does not count toward it. Last evaluated 2026-01-21.

Conditions:
TRAPPC9-related disorder. Also called: TRAPPC9-related condition.
Inborn genetic diseases. Identifiers: MedGen C0950123, MeSH D030342.

Allele frequency attached by ClinVar (database versions not stated): gnomAD 0.00045 and 0.00060; gnomAD exomes 0.00046 and 0.00126; TOPMed 0.00057; ExAC 0.00106; 1000 Genomes Project 30x 0.00250; 1000 Genomes Project 0.00280.
gnomAD v4.1: 798 of 1,614,128 alleles (0.049%); highest among the groups gnomAD compares: East Asian, 1.6%; 7 homozygotes.

Submissions (3):

Labcorp Genetics (formerly Invitae), Labcorp
Classification: Benign. Last evaluated: 2026-01-21. Review status: criteria provided, single submitter. Criteria: Invitae Variant Classification Sherloc (09022015). Collection method: clinical testing. Allele origin: germline.

Ambry Genetics
Classification: Benign for Inborn genetic diseases. Last evaluated: 2016-10-05. Review status: criteria provided, single submitter. Criteria: Ambry Variant Classification Scheme 2023. Collection method: clinical testing. Allele origin: germline.

PreventionGenetics, part of Exact Sciences
Classification: Benign for TRAPPC9-related condition. Last evaluated: 2019-12-09. Review status: no assertion criteria provided. Collection method: clinical testing. Allele origin: germline. Not counted in ClinVar's aggregate classification.
Comment: This variant is classified as benign based on ACMG/AMP sequence variant interpretation guidelines (Richards et al. 2015 PMID: 25741868, with internal and published modifications).